The following is an entry in ClinVar:

NM_006031.6(PCNT):c.8622A>T (p.Glu2874Asp)

Gene: PCNT (pericentrin; plus strand). Cytogenetic location: 21q22.3.
Variant type: single nucleotide variant.
Coding change: c.8622A>T on transcript NM_006031.6 (MANE Select); coding-DNA position 8622, A replaced by T.
Protein change: p.Glu2874Asp; replaces glutamic acid 2874 with aspartic acid.
Molecular consequence: missense variant. On other transcripts: intron variant (1).
Genome position (GRCh38, 1-based): chr21:46,432,086, A>T. VCF-style: chr21-46432086-A-T. GRCh37 (hg19) VCF-style: chr21-47852000-A-T.
Other names: c.8160+108A>T (NM_001315529.2); short protein forms E2874D.
Identifiers: ClinVar variation 4994374 (VCV004994374.1).

ClinVar aggregate classification (germline): Uncertain significance (1 of 4 stars; one submission).

Conditions:
PCNT-related disorder. Also called: PCNT-related condition.

gnomAD v4.1: 3 of 1,614,146 alleles (0.00019%); highest among the groups gnomAD compares: Non-Finnish European, 0.00025%; no homozygotes.

Submission:

PreventionGenetics, part of Exact Sciences
Classification: Uncertain significance for PCNT-related condition. Last evaluated: 2025-11-05. Review status: criteria provided, single submitter. Criteria: ACMG Guidelines, 2015. Collection method: clinical testing. Allele origin: germline.
Comment: The PCNT c.8622A>T variant is predicted to result in the amino acid substitution p.Glu2874Asp. To our knowledge, this variant has not been reported in the literature or in a large population database (gnomAD), indicating this variant is rare. At this time, the clinical significance of this variant is uncertain due to the absence of conclusive functional and genetic evidence.